The following is an entry in ClinVar:

NM_014140.4(SMARCAL1):c.2395G>A (p.Val799Met)

Gene: SMARCAL1 (SNF2 related chromatin remodeling annealing helicase 1; plus strand). Cytogenetic location: 2q35.
Variant type: single nucleotide variant.
Coding change: c.2395G>A on transcript NM_014140.4 (MANE Select); coding-DNA position 2395, G replaced by A.
Protein change: p.Val799Met; replaces valine 799 with methionine.
Molecular consequence: missense variant.
Genome position (GRCh38, 1-based): chr2:216,475,419, G>A. VCF-style: chr2-216475419-G-A. GRCh37 (hg19) VCF-style: chr2-217340142-G-A.
Other names: c.2395G>A, p.Val799Met (NM_001127207.2); short protein forms V799M.
Identifiers: ClinVar variation 3623500 (VCV003623500.3).

ClinVar aggregate classification (germline): Uncertain significance. Review status: criteria provided, multiple submitters, no conflicts (2 of 4 stars). 2 submissions from 2 submitters: Uncertain significance (2). Last evaluated 2026-06-03.

Conditions:
Inborn genetic diseases. Identifiers: MedGen C0950123, MeSH D030342.
Schimke immuno-osseous dysplasia (SIOD). Also called: Schimke Immunoosseous Dysplasia. Identifiers: Orphanet 1830, MedGen C0877024, MONDO:0009458, OMIM 242900.

gnomAD v4.1: 4 of 1,614,206 alleles (0.00025%); highest among the groups gnomAD compares: East Asian, 0.0089%; no homozygotes.

Submissions (2):

Ambry Genetics
Classification: Uncertain significance for Inborn genetic diseases. Last evaluated: 2026-06-03. Review status: criteria provided, single submitter. Criteria: Ambry Variant Classification Scheme 2023. Collection method: clinical testing. Allele origin: germline.

Labcorp Genetics (formerly Invitae), Labcorp
Classification: Uncertain significance for Schimke immuno-osseous dysplasia. Last evaluated: 2024-04-25. Review status: criteria provided, single submitter. Criteria: Invitae Variant Classification Sherloc (09022015). Collection method: clinical testing. Allele origin: germline.
Comment: This sequence change replaces valine, which is neutral and non-polar, with methionine, which is neutral and non-polar, at codon 799 of the SMARCAL1 protein (p.Val799Met). This variant is present in population databases (no rsID available, gnomAD 0.006%). This variant has not been reported in the literature in individuals affected with SMARCAL1-related conditions. Advanced modeling of protein sequence and biophysical properties (such as structural, functional, and spatial information, amino acid conservation, physicochemical variation, residue mobility, and thermodynamic stability) performed at Invitae indicates that this missense variant is expected to disrupt SMARCAL1 protein function with a positive predictive value of 80%. In summary, the available evidence is currently insufficient to determine the role of this variant in disease. Therefore, it has been classified as a Variant of Uncertain Significance.